The following is an entry in ClinVar:

NM_006767.4(LZTR1):c.1219del (p.Val407fs)

Gene: LZTR1 (leucine zipper like post translational regulator 1; plus strand). Cytogenetic location: 22q11.21.
Variant type: Deletion.
Coding change: c.1219del on transcript NM_006767.4 (MANE Select); coding-DNA position 1219, one base deleted (G; older notation c.1219delG).
Protein change: p.Val407fs; shifts the reading frame from valine 407.
Molecular consequence: frameshift variant.
Genome position (GRCh38, 1-based): chr22:20,992,863, G deleted; the last of 2 consecutive G bases (chr22:20,992,862-20,992,863); deleting either gives the same sequence. VCF-style (leftmost placement, unchanged base first): chr22-20992861-CG-C. GRCh37 (hg19) VCF-style: chr22-21347150-CG-C.
Other names: short protein forms V407fs.
Identifiers: ClinVar variation 3238036 (VCV003238036.1), dbSNP rs2518618871.

ClinVar aggregate classification (germline): Pathogenic (1 of 4 stars; one submission).

Conditions:
Hereditary cancer-predisposing syndrome. Also called: Neoplastic Syndromes, Hereditary; Tumor predisposition; Hereditary neoplastic syndrome; Hereditary Cancer Syndrome. Identifiers: Orphanet 140162, MedGen C0027672, MeSH D009386, MONDO:0015356.
Cardiovascular phenotype. Identifiers: MedGen CN230736.

Submission:

Ambry Genetics
Classification: Pathogenic for Cardiovascular phenotype; Hereditary cancer-predisposing syndrome. Last evaluated: 2023-09-14. Review status: criteria provided, single submitter. Criteria: Ambry Variant Classification Scheme 2023. Collection method: clinical testing. Allele origin: germline.
Comment: The c.1219delG pathogenic mutation, located in coding exon 11 of the LZTR1 gene, results from a deletion of one nucleotide at nucleotide position 1219, causing a translational frameshift with a predicted alternate stop codon (p.V407Wfs*54). This variant is considered to be rare based on population cohorts in the Genome Aggregation Database (gnomAD). Loss-of-function variants in LZTR1 are related to an increased risk for schwannomas and autosomal recessive Noonan syndrome; however, such associations with autosomal dominant Noonan syndrome have not been observed (Piotrowski A et al. Nat Genet. 2014 Feb;46:182-7; Yamamoto GL et al. J Med Genet. 2015 Jun;52:413-21; Johnston JJ et al. Genet Med. 2018 10;20:1175-1185). This alteration is expected to result in loss of function by premature protein truncation or nonsense-mediated mRNA decay. Based on the supporting evidence, this variant is pathogenic for an increased risk of LZTR1-related schwannomatosis (SWN) and would be expected to cause autosomal recessive Noonan syndrome when present along with a second pathogenic or likely pathogenic variant on the other allele; however, the association of this alteration with autosomal dominant Noonan syndrome is unlikely.